The following is an entry in ClinVar:

NM_006766.5(KAT6A):c.4427C>A (p.Ala1476Glu)

Gene: KAT6A (lysine acetyltransferase 6A; minus strand). Cytogenetic location: 8p11.21.
Variant type: single nucleotide variant.
Coding change: c.4427C>A on transcript NM_006766.5 (MANE Select); coding-DNA position 4427, C replaced by A.
Protein change: p.Ala1476Glu; replaces alanine 1476 with glutamic acid.
Molecular consequence: missense variant.
Genome position (GRCh38, 1-based): chr8:41,933,793, G>T on the plus strand (C>A on the coding strand, the complement: KAT6A is on the minus strand). VCF-style: chr8-41933793-G-T. GRCh37 (hg19) VCF-style: chr8-41791311-G-T.
Other names: short protein forms A1476E.
Identifiers: ClinVar variation 2786512 (VCV002786512.3), dbSNP rs757828862, ClinGen allele CA175939403.

ClinVar aggregate classification (germline): Uncertain significance (1 of 4 stars; one submission).

gnomAD v4.1: 5 of 1,614,054 alleles (0.00031%); highest among the groups gnomAD compares: Non-Finnish European, 0.00042%; no homozygotes.

Submission:

Labcorp Genetics (formerly Invitae), Labcorp
Classification: Uncertain significance. Last evaluated: 2022-10-28. Review status: criteria provided, single submitter. Criteria: Invitae Variant Classification Sherloc (09022015). Collection method: clinical testing. Allele origin: germline.
Comment: In summary, the available evidence is currently insufficient to determine the role of this variant in disease. Therefore, it has been classified as a Variant of Uncertain Significance. Advanced modeling of protein sequence and biophysical properties (such as structural, functional, and spatial information, amino acid conservation, physicochemical variation, residue mobility, and thermodynamic stability) performed at Invitae indicates that this missense variant is not expected to disrupt KAT6A protein function. This variant has not been reported in the literature in individuals affected with KAT6A-related conditions. This variant is not present in population databases (gnomAD no frequency). This sequence change replaces alanine, which is neutral and non-polar, with glutamic acid, which is acidic and polar, at codon 1476 of the KAT6A protein (p.Ala1476Glu).